The following is an entry in ClinVar:

ClinVar aggregate classification (germline): Likely pathogenic (1 of 4 stars; one submission).

Conditions:
Opsismodysplasia (OPSMD). Also called: INPPL1-Related Opsismodysplasia. Identifiers: Orphanet 2746, MedGen C0432219, MONDO:0009785, OMIM 258480.

Submission:

Dasa
Classification: Likely pathogenic for Opsismodysplasia. Last evaluated: 2022-02-05. Review status: criteria provided, single submitter. Criteria: ACMG Guidelines, 2015. Collection method: clinical testing. Allele origin: germline. Affected: yes. Observed: 1 variant allele.
Comment: The c.3466del;p.(Arg1156Glyfs*46) is a null frameshift variant (NMD) in the INPPL1 gene and predicts alteration of the nonsense-mediate decay - NMD is present in a relevant exon to the transcript - PVS1. This variant is not present in population databases (rs760925109, gnomAD; ABraOM no frequency) - PM2. In summary, the currently available evidence indicates that the variant is likely pathogenic.

NM_001567.4(INPPL1):c.3466del (p.Arg1156fs)

Gene: INPPL1 (inositol polyphosphate phosphatase like 1; plus strand). Cytogenetic location: 11q13.4.
Variant type: Deletion.
Coding change: c.3466del on transcript NM_001567.4 (MANE Select); coding-DNA position 3466, one base deleted (C; older notation c.3466delC).
Protein change: p.Arg1156fs; shifts the reading frame from arginine 1156.
Molecular consequence: frameshift variant.
Genome position (GRCh38, 1-based): chr11:72,237,710, C deleted; the last of 7 consecutive C bases (chr11:72,237,704-72,237,710); deleting any one gives the same sequence. VCF-style (leftmost placement, unchanged base first): chr11-72237703-GC-G. GRCh37 (hg19) VCF-style: chr11-71948747-GC-G.
Other names: short protein forms R1156fs.
Identifiers: ClinVar variation 1339494 (VCV001339494.3), dbSNP rs760925109, ClinGen allele CA6170637.
Genomic context (GRCh38, chr11:72,237,703, plus strand): 5'-GGACTATGCCCCTGCTGGGCCTGCACGCTCAGCGCTCCTCCCAGGCCCCCTGGAGCTGCA[GC>G]CCCCCCGGGGACTGCCCTCGGACTATGGCCGGCCCCTCAGCTTCCCTCCACCCCGCATCC-3'